The following is an entry in ClinVar:

ClinVar aggregate classification (germline): Uncertain significance. Review status: criteria provided, multiple submitters, no conflicts (2 of 4 stars). 3 submissions from 3 submitters: Uncertain significance (3). Last evaluated 2025-06-03.

Conditions:
Fanconi anemia complementation group P. Also called: SLX4-Related Fanconi Anemia. Identifiers: Orphanet 84, MedGen C3469542, MONDO:0013499, OMIM 613951.
Fanconi anemia (FA). Also called: Fanconi's anemia. Identifiers: Orphanet 84, MedGen C0015625, MeSH D005199, MONDO:0019391.

Allele frequency attached by ClinVar (database versions not stated): gnomAD 0.00001; TOPMed 0.00001; gnomAD exomes 0.00003; ExAC 0.00005.
gnomAD v4.1: 20 of 1,612,568 alleles (0.0012%); highest among the groups gnomAD compares: South Asian, 0.0088%; no homozygotes.

Submissions (3):

Labcorp Genetics (formerly Invitae), Labcorp
Classification: Uncertain significance for Fanconi anemia. Last evaluated: 2025-06-03. Review status: criteria provided, single submitter. Criteria: Invitae Variant Classification Sherloc (09022015). Collection method: clinical testing. Allele origin: germline.
Comment: This sequence change replaces proline, which is neutral and non-polar, with leucine, which is neutral and non-polar, at codon 1030 of the SLX4 protein (p.Pro1030Leu). This variant is present in population databases (rs774562724, gnomAD 0.006%). This variant has not been reported in the literature in individuals affected with SLX4-related conditions. ClinVar contains an entry for this variant (Variation ID: 241678). An algorithm developed to predict the effect of missense changes on protein structure and function outputs the following: PolyPhen-2: "Benign". The leucine amino acid residue is found in multiple mammalian species, which suggests that this missense change does not adversely affect protein function. In summary, the available evidence is currently insufficient to determine the role of this variant in disease. Therefore, it has been classified as a Variant of Uncertain Significance.

Fulgent Genetics
Classification: Uncertain significance for Fanconi anemia complementation group P. Last evaluated: 2024-05-17. Review status: criteria provided, single submitter. Criteria: ACMG Guidelines, 2015. Collection method: clinical testing. Allele origin: germline.

CeGaT Center for Human Genetics Tuebingen
Classification: Uncertain significance. Last evaluated: 2023-10-01. Review status: criteria provided, single submitter. Criteria: CeGaT Center For Human Genetics Tuebingen Variant Classification Criteria Version 2. Collection method: clinical testing. Allele origin: germline. Affected: yes. Observed: 1 variant allele.
Comment: SLX4: PM2, BP4

NM_032444.4(SLX4):c.3089C>T (p.Pro1030Leu)

Gene: SLX4 (SLX4 structure-specific endonuclease subunit; minus strand). Cytogenetic location: 16p13.3.
Variant type: single nucleotide variant.
Coding change: c.3089C>T on transcript NM_032444.4 (MANE Select); coding-DNA position 3089, C replaced by T.
Protein change: p.Pro1030Leu; replaces proline 1030 with leucine.
Molecular consequence: missense variant.
Genome position (GRCh38, 1-based): chr16:3,590,549, G>A on the plus strand (C>T on the coding strand, the complement: SLX4 is on the minus strand). VCF-style: chr16-3590549-G-A. GRCh37 (hg19) VCF-style: chr16-3640550-G-A.
Other names: c.3089C>T (LRG_503t1); short protein forms P1030L.
Identifiers: ClinVar variation 241678 (VCV000241678.30), dbSNP rs774562724, ClinGen allele CA7865999.